The following is an entry in ClinVar:

NM_005359.6(SMAD4):c.*5170C>T

Gene: SMAD4 (SMAD family member 4; plus strand). Cytogenetic location: 18q21.2.
Variant type: single nucleotide variant.
Coding change: c.*5170C>T on transcript NM_005359.6 (MANE Select); 5170 bases downstream of the stop codon, C replaced by T.
Molecular consequence: 3 prime UTR variant.
Genome position (GRCh38, 1-based): chr18:51,083,637, C>T. VCF-style: chr18-51083637-C-T. GRCh37 (hg19) VCF-style: chr18-48610007-C-T.
Identifiers: ClinVar variation 327176 (VCV000327176.5), dbSNP rs117142232, ClinGen allele CA10647801.

ClinVar aggregate classification (germline): Benign. Review status: criteria provided, single submitter (1 of 4 stars). 3 submissions from 1 submitter: Benign (3). Last evaluated 2018-01-12.

Conditions:
Myhre syndrome (MYHRS). Also called: LARYNGOTRACHEAL STENOSIS, ARTHROPATHY, PROGNATHISM, AND SHORT STATURE; LAPS SYNDROME. Identifiers: Orphanet 2588, MedGen C0796081, MONDO:0007688, OMIM 139210.
Juvenile polyposis/hereditary hemorrhagic telangiectasia syndrome (JPHT). Also called: JP/HHT SYNDROME; JUVENILE POLYPOSIS WITH HEREDITARY HEMORRHAGIC TELANGIECTASIA; POLYPOSIS, GENERALIZED JUVENILE, WITH PULMONARY ARTERIOVENOUS MALFORMATION; TELANGIECTASIA, HEREDITARY HEMORRHAGIC, WITH JUVENILE POLYPOSIS COLI; Juvenile Polyposis Syndrome / Hereditary Hemorrhagic Telangiectasia (JPS/HHT). Identifiers: Orphanet 2929, MedGen C1832942, MONDO:0008278, OMIM 175050.
Generalized juvenile polyposis/juvenile polyposis coli. Also called: Juvenile polyposis coli. Identifiers: Orphanet 329971, MedGen C1868081, MONDO:0008276.

Allele frequency attached by ClinVar (database versions not stated): 1000 Genomes Project 30x 0.00578; 1000 Genomes Project 0.00639; TOPMed 0.01082; gnomAD exomes 0.01400; gnomAD 0.01554.
gnomAD v4.1: 3,022 of 227,564 alleles (1.3%); highest among the groups gnomAD compares: Middle Eastern, 2.5%; 28 homozygotes.

Submissions (3):

Illumina Laboratory Services, Illumina
Classification: Benign for Juvenile polyposis/hereditary hemorrhagic telangiectasia syndrome. Last evaluated: 2018-01-12. Review status: criteria provided, single submitter. Criteria: ICSL Variant Classification Criteria 13 December 2019. Collection method: clinical testing. Allele origin: germline.
Comment: This variant was observed in the ICSL laboratory as part of a predisposition screen in an ostensibly healthy population. It had not been previously curated by ICSL or reported in the Human Gene Mutation Database (HGMD: prior to June 1st, 2018), and was therefore a candidate for classification through an automated scoring system. Utilizing variant allele frequency, disease prevalence and penetrance estimates, and inheritance mode, an automated score was calculated to assess if this variant is too frequent to cause the disease. Based on the score and internal cut-off values, a variant classified as benign is not then subjected to further curation. The score for this variant resulted in a classification of benign for this disease.

Illumina Laboratory Services, Illumina
Classification: Benign for Juvenile polyposis syndrome. Last evaluated: 2018-01-12. Review status: criteria provided, single submitter. Criteria: ICSL Variant Classification Criteria 13 December 2019. Collection method: clinical testing. Allele origin: germline.
Comment: the same text as in the submission from Illumina Laboratory Services, Illumina above.

Illumina Laboratory Services, Illumina
Classification: Benign for Myhre syndrome. Last evaluated: 2018-01-12. Review status: criteria provided, single submitter. Criteria: ICSL Variant Classification Criteria 13 December 2019. Collection method: clinical testing. Allele origin: germline.
Comment: the same text as in the submission from Illumina Laboratory Services, Illumina above.